The following is an entry in ClinVar:

NM_015910.7(WDPCP):c.1827T>A (p.Leu609=)

Gene: WDPCP (WD repeat containing planar cell polarity effector; minus strand). Cytogenetic location: 2p15.
Variant type: single nucleotide variant.
Coding change: c.1827T>A on transcript NM_015910.7 (MANE Select); coding-DNA position 1827, T replaced by A.
Protein change: p.Leu609=; no amino-acid change (leucine 609 retained).
Molecular consequence: synonymous variant. On other transcripts: non-coding transcript variant (2).
Genome position (GRCh38, 1-based): chr2:63,259,395, A>T on the plus strand (T>A on the coding strand, the complement: WDPCP is on the minus strand). VCF-style: chr2-63259395-A-T. GRCh37 (hg19) VCF-style: chr2-63486530-A-T.
Other names: c.1827T>A (NM_015910.5); c.1350T>A, p.Leu450= (NM_001042692.3); c.1755T>A, p.Leu585= (NM_001354044.2).
Identifiers: ClinVar variation 2993657 (VCV002993657.4), dbSNP rs1277723268, ClinGen allele CA426375905.

ClinVar aggregate classification (germline): Likely benign. Review status: criteria provided, multiple submitters, no conflicts (2 of 4 stars). 2 submissions from 2 submitters: Likely benign (2). Last evaluated 2025-01-29.

Conditions:
Bardet-Biedl syndrome (BBS). Identifiers: Orphanet 110, MedGen C0752166, MONDO:0015229.
WDPCP-related disorder. Also called: WDPCP-related condition.

Allele frequency attached by ClinVar (database versions not stated): gnomAD 0.00001; TOPMed 0.00003.
gnomAD v4.1: 1 of 1,611,218 alleles (0.000062%); highest among the groups gnomAD compares: African/African-American, 0.0013%; no homozygotes.

Submissions (2):

PreventionGenetics, part of Exact Sciences
Classification: Likely benign for WDPCP-related condition. Last evaluated: 2025-01-29. Review status: criteria provided, single submitter. Criteria: ACMG Guidelines, 2015. Collection method: clinical testing. Allele origin: germline.
Comment: This variant is classified as likely benign based on ACMG/AMP sequence variant interpretation guidelines (Richards et al. 2015 PMID: 25741868, with internal and published modifications).

Labcorp Genetics (formerly Invitae), Labcorp
Classification: Likely benign for Bardet-Biedl syndrome. Last evaluated: 2023-04-09. Review status: criteria provided, single submitter. Criteria: Invitae Variant Classification Sherloc (09022015). Collection method: clinical testing. Allele origin: germline.